The following is an entry in ClinVar:

ClinVar aggregate classification (germline): Benign (0 of 4 stars; one submission).

Conditions:
DCHS2-related disorder. Also called: DCHS2-related condition.

Allele frequency attached by ClinVar (database versions not stated): ESP Exome Variant Server 0.00008; ExAC 0.00145; 1000 Genomes Project 30x 0.00312; 1000 Genomes Project 0.00339.
gnomAD v4.1: 702 of 1,614,048 alleles (0.043%); highest among the groups gnomAD compares: East Asian, 1.1%; 2 homozygotes.

Submission:

PreventionGenetics, part of Exact Sciences
Classification: Benign for DCHS2-related condition. Last evaluated: 2019-06-26. Review status: no assertion criteria provided. Collection method: clinical testing. Allele origin: germline.
Comment: This variant is classified as benign based on ACMG/AMP sequence variant interpretation guidelines (Richards et al. 2015 PMID: 25741868, with internal and published modifications).

NM_001358235.2(DCHS2):c.9405C>T (p.Ile3135=)

Genes: DCHS2 (dachsous cadherin-related 2; minus strand), DCHS2-AS1 (DCHS2 antisense RNA 1; plus strand). Cytogenetic location: 4q31.3.
Variant type: single nucleotide variant.
Coding change: c.9405C>T on transcript NM_001358235.2 (MANE Select); coding-DNA position 9405, C replaced by T.
Protein change: p.Ile3135=; no amino-acid change (isoleucine 3135 retained).
Molecular consequence: synonymous variant.
Genome position (GRCh38, 1-based): chr4:154,235,247, G>A on the plus strand (C>T on the coding strand, the complement: DCHS2 is on the minus strand). VCF-style: chr4-154235247-G-A. GRCh37 (hg19) VCF-style: chr4-155156399-G-A.
Identifiers: ClinVar variation 3042530 (VCV003042530.2), dbSNP rs138106573, ClinGen allele CA3111758.
Genomic context (GRCh38, chr4:154,235,247, plus strand): 5'-GGCAGTCACCATCACATCAGTTTCCCCAGATAGGCAGGAGAGCTGGTCTGAGTCCCTCGG[G>A]ATACCCGAGTCTGGCACCCTGGACTCGTGGTCACTCAGAGCTGAGTCTGAGCACTTTCTG-3'
Protein context (NP_001345164.1, residues 3125-3145): DHESRVPDSG[Ile3135=]PRDSDQLSCL